The following is an entry in ClinVar:

NM_019892.6(INPP5E):c.1506G>A (p.Pro502=)

Gene: INPP5E (inositol polyphosphate-5-phosphatase E; minus strand). Cytogenetic location: 9q34.3.
Variant type: single nucleotide variant.
Coding change: c.1506G>A on transcript NM_019892.6 (MANE Select); coding-DNA position 1506, G replaced by A.
Protein change: p.Pro502=; no amino-acid change (proline 502 retained).
Molecular consequence: synonymous variant.
Genome position (GRCh38, 1-based): chr9:136,431,867, C>T on the plus strand (G>A on the coding strand, the complement: INPP5E is on the minus strand). VCF-style: chr9-136431867-C-T. GRCh37 (hg19) VCF-style: chr9-139326319-C-T.
Other names: c.1503G>A, p.Pro501= (NM_001318502.2).
Identifiers: ClinVar variation 365880 (VCV000365880.45), dbSNP rs74880446, ClinGen allele CA5336769.

ClinVar aggregate classification (germline): Conflicting classifications of pathogenicity. Review status: criteria provided, conflicting classifications (1 of 4 stars). 8 submissions from 8 submitters: Uncertain significance (1); Likely benign (5). 2 of the submissions do not count toward it. Last evaluated 2026-01-25.

Conditions:
Joubert syndrome 1 (JBTS1). Also called: Cerebellooculorenal syndrome 1; CEREBELLOPARENCHYMAL DISORDER IV. Identifiers: MedGen C4551568, MONDO:0008944, OMIM 213300.
Joubert syndrome. Also called: Familial aplasia of the vermis; JOUBERT-BOLTSHAUSER SYNDROME. Identifiers: Orphanet 475, MedGen C5979921, MONDO:0018772.

Allele frequency attached by ClinVar (database versions not stated): ESP Exome Variant Server 0.00062; gnomAD exomes 0.00086; TOPMed 0.00087; ExAC 0.00092; gnomAD 0.00100 and 0.00105; 1000 Genomes Project 30x 0.00109; 1000 Genomes Project 0.00120.
gnomAD v4.1: 1,865 of 1,609,570 alleles (0.12%); highest among the groups gnomAD compares: Non-Finnish European, 0.14%; 2 homozygotes.

Submissions (8):

Labcorp Genetics (formerly Invitae), Labcorp
Classification: Likely benign for Joubert syndrome. Last evaluated: 2026-01-25. Review status: criteria provided, single submitter. Criteria: Invitae Variant Classification Sherloc (09022015). Collection method: clinical testing. Allele origin: germline.

Laboratory of Genetics, Children's Clinical University Hospital Latvia
Classification: Likely benign. Last evaluated: 2025-02-16. Review status: criteria provided, single submitter. Criteria: ACMG Guidelines, 2015. Collection method: clinical testing. Allele origin: germline. Affected: yes.

CeGaT Center for Human Genetics Tuebingen
Classification: Likely benign. Last evaluated: 2024-12-01. Review status: criteria provided, single submitter. Criteria: CeGaT Center For Human Genetics Tuebingen Variant Classification Criteria Version 2. Collection method: clinical testing. Allele origin: germline. Affected: yes. Observed: 5 variant alleles.
Comment: INPP5E: BP4, BP7

Blueprint Genetics
Classification: Likely benign. Last evaluated: 2024-11-13. Review status: criteria provided, single submitter. Criteria: ACMG Guidelines, 2015. Collection method: clinical testing. Allele origin: germline.

GeneDx
Classification: Likely benign. Last evaluated: 2021-02-03. Review status: criteria provided, single submitter. Criteria: GeneDx Variant Classification Process June 2021. Collection method: clinical testing. Allele origin: germline. Affected: yes.

Illumina Laboratory Services, Illumina
Classification: Uncertain significance for Joubert syndrome 1. Last evaluated: 2018-01-13. Review status: criteria provided, single submitter. Criteria: ICSL Variant Classification Criteria 13 December 2019. Collection method: clinical testing. Allele origin: germline.

Clinical Genetics DNA and cytogenetics Diagnostics Lab, Erasmus MC, Erasmus Medical Center
Classification: Likely benign. Review status: no assertion criteria provided. Collection method: clinical testing. Allele origin: germline. Affected: yes. Study: VKGL Data-share Consensus. Not counted in ClinVar's aggregate classification.

Clinical Genetics, Academic Medical Center
Classification: Likely benign. Review status: no assertion criteria provided. Collection method: clinical testing. Allele origin: germline. Affected: yes. Study: VKGL Data-share Consensus. Not counted in ClinVar's aggregate classification.